The following is an entry in ClinVar:

NM_000158.4(GBE1):c.458T>A (p.Ile153Asn)

Gene: GBE1 (1,4-alpha-glucan branching enzyme 1; minus strand). Cytogenetic location: 3p12.2.
Variant type: single nucleotide variant.
Coding change: c.458T>A on transcript NM_000158.4 (MANE Select); coding-DNA position 458, T replaced by A.
Protein change: p.Ile153Asn; replaces isoleucine 153 with asparagine.
Molecular consequence: missense variant.
Genome position (GRCh38, 1-based): chr3:81,649,893, A>T on the plus strand (T>A on the coding strand, the complement: GBE1 is on the minus strand). VCF-style: chr3-81649893-A-T. GRCh37 (hg19) VCF-style: chr3-81699044-A-T.
Other names: p.Ile153Asn; short protein forms I153N.
Identifiers: ClinVar variation 2383458 (VCV002383458.3), dbSNP rs1369738793, ClinGen allele CA353688731.

ClinVar aggregate classification (germline): Uncertain significance. Review status: criteria provided, multiple submitters, no conflicts (2 of 4 stars). 2 submissions from 2 submitters: Uncertain significance (2). Last evaluated 2025-10-01.

Conditions:
Inborn genetic diseases. Identifiers: MedGen C0950123, MeSH D030342.

Allele frequency attached by ClinVar (database versions not stated): gnomAD 0.00003; TOPMed 0.00002.
gnomAD v4.1: 5 of 1,609,580 alleles (0.00031%); highest among the groups gnomAD compares: African/African-American, 0.0053%; no homozygotes.

Submissions (2):

Mayo Clinic Laboratories, Mayo Clinic
Classification: Uncertain significance. Last evaluated: 2025-10-01. Review status: criteria provided, single submitter. Criteria: ACMG Guidelines, 2015. Collection method: clinical testing. Allele origin: germline. Observed: 1 variant allele.
Comment: BP4_moderate

Ambry Genetics
Classification: Uncertain significance for Inborn genetic diseases. Last evaluated: 2021-07-26. Review status: criteria provided, single submitter. Criteria: Ambry Variant Classification Scheme 2023. Collection method: clinical testing. Allele origin: germline.